The following is an entry in ClinVar:

ClinVar aggregate classification (germline): Uncertain significance (1 of 4 stars; one submission).

Submission:

Labcorp Genetics (formerly Invitae), Labcorp
Classification: Uncertain significance. Last evaluated: 2023-10-03. Review status: criteria provided, single submitter. Criteria: Invitae Variant Classification Sherloc (09022015). Collection method: clinical testing. Allele origin: germline.
Comment: This sequence change replaces tyrosine, which is neutral and polar, with histidine, which is basic and polar, at codon 149 of the ACER3 protein (p.Tyr149His). This variant is not present in population databases (gnomAD no frequency). This variant has not been reported in the literature in individuals affected with ACER3-related conditions. ClinVar contains an entry for this variant (Variation ID: 1373617). Advanced modeling of protein sequence and biophysical properties (such as structural, functional, and spatial information, amino acid conservation, physicochemical variation, residue mobility, and thermodynamic stability) has been performed at Invitae for this missense variant, however the output from this modeling did not meet the statistical confidence thresholds required to predict the impact of this variant on ACER3 protein function. In summary, the available evidence is currently insufficient to determine the role of this variant in disease. Therefore, it has been classified as a Variant of Uncertain Significance.

NM_018367.7(ACER3):c.445T>C (p.Tyr149His)

Gene: ACER3 (alkaline ceramidase 3; plus strand). Cytogenetic location: 11q13.5.
Variant type: single nucleotide variant.
Coding change: c.445T>C on transcript NM_018367.7 (MANE Select); coding-DNA position 445, T replaced by C.
Protein change: p.Tyr149His; replaces tyrosine 149 with histidine.
Molecular consequence: missense variant.
Genome position (GRCh38, 1-based): chr11:76,998,769, T>C. VCF-style: chr11-76998769-T-C. GRCh37 (hg19) VCF-style: chr11-76709813-T-C.
Other names: c.334T>C, p.Tyr112His (NM_001300953.2); c.160T>C, p.Tyr54His (NM_001300954.2, NM_001300955.2); short protein forms Y112H, Y54H, Y149H.
Identifiers: ClinVar variation 1373617 (VCV001373617.6), dbSNP rs1555019150, ClinGen allele CA381927396.
Genomic context (GRCh38, chr11:76,998,769, plus strand): 5'-TTCCTTTGCCAAACAATAATGATTGTACTAACCTCATTTTCCGTTCCTATTTAGGTCATG[T>C]ATGGAATGTTGGTCTTTACATTAGTACTTCGATCTATTTATATTGTTACATGGTAAGTAG-3'
Protein context (NP_060837.3, residues 139-159): VKEPIFHQVM[Tyr149His]GMLVFTLVLR